The following is an entry in ClinVar:

NM_172362.3(KCNH1):c.2794G>C (p.Glu932Gln)

Gene: KCNH1 (potassium voltage-gated channel subfamily H member 1; minus strand). Cytogenetic location: 1q32.2.
Variant type: single nucleotide variant.
Coding change: c.2794G>C on transcript NM_172362.3 (MANE Select); coding-DNA position 2794, G replaced by C.
Protein change: p.Glu932Gln; replaces glutamic acid 932 with glutamine.
Molecular consequence: missense variant.
Genome position (GRCh38, 1-based): chr1:210,683,457, C>G on the plus strand (G>C on the coding strand, the complement: KCNH1 is on the minus strand). VCF-style: chr1-210683457-C-G. GRCh37 (hg19) VCF-style: chr1-210856799-C-G.
Other names: c.2713G>C, p.Glu905Gln (NM_002238.4); short protein forms E905Q, E932Q.
Identifiers: ClinVar variation 4822562 (VCV004822562.4).

ClinVar aggregate classification (germline): Likely benign (1 of 4 stars; one submission).

gnomAD v4.1: 8 of 1,613,998 alleles (0.0005%); highest among the groups gnomAD compares: Non-Finnish European, 0.00059%; no homozygotes.

Submission:

CeGaT Center for Human Genetics Tuebingen
Classification: Likely benign. Last evaluated: 2026-02-01. Review status: criteria provided, single submitter. Criteria: CeGaT Center For Human Genetics Tuebingen Variant Classification Criteria Version 2. Collection method: clinical testing. Allele origin: germline. Affected: yes. Observed: 1 variant allele.
Comment: KCNH1: BS2